The following is an entry in ClinVar:

ClinVar aggregate classification (germline): Uncertain significance. Review status: criteria provided, multiple submitters, no conflicts (2 of 4 stars). 4 submissions from 4 submitters: Uncertain significance (4). Last evaluated 2025-06-10.

Conditions:
Cardiovascular phenotype. Identifiers: MedGen CN230736.
Cardiomyopathy (CMYO). Also called: Cardiomyopathies. Identifiers: Orphanet 167848, MedGen C0878544, MONDO:0004994, HP:0001638. Inheritance: Various modes of inheritance.
Hypertrophic cardiomyopathy. Also called: HYPERTROPHIC MYOCARDIOPATHY. Identifiers: Orphanet 217569, MedGen C0007194, MeSH D002312, MONDO:0005045, HP:0001639.

Allele frequency attached by ClinVar (database versions not stated): TOPMed 0.00001.

Submissions (4):

Ambry Genetics
Classification: Uncertain significance for Cardiovascular phenotype. Last evaluated: 2025-06-10. Review status: criteria provided, single submitter. Criteria: Ambry Variant Classification Scheme 2023. Collection method: clinical testing. Allele origin: germline.
Comment: The p.K361R variant (also known as c.1082A>G), located in coding exon 12 of the MYBPC3 gene, results from an A to G substitution at nucleotide position 1082. The lysine at codon 361 is replaced by arginine, an amino acid with highly similar properties. This amino acid position is conserved. In addition, the in silico prediction for this alteration is inconclusive. Based on the available evidence, the clinical significance of this variant remains unclear.

All of Us Research Program, National Institutes of Health
Classification: Uncertain significance for Hypertrophic cardiomyopathy. Last evaluated: 2024-08-13. Review status: criteria provided, single submitter. Criteria: ACMG Guidelines, 2015. Collection method: clinical testing. Allele origin: germline. Inheritance: Autosomal dominant inheritance. Observed: 2 variant alleles, 2 heterozygotes.
Comment: This missense variant replaces lysine with arginine at codon 361 of the MYBPC3 protein. Computational prediction suggests that this variant may not impact protein structure and function (internally defined REVEL score threshold <= 0.5, PMID: 27666373). To our knowledge, functional studies have not been reported for this variant. This variant has not been reported in individuals affected with MYBPC3-related disorders in the literature. This variant has not been identified in the general population by the Genome Aggregation Database (gnomAD). The available evidence is insufficient to determine the role of this variant in disease conclusively. Therefore, this variant is classified as a Variant of Uncertain Significance.

This study involves interpretation of variants in research participants for the purpose of population health screening. Participant phenotype was not available at the time of variant classification. Additional details can be found in publication PMID: 35346344, PMCID: PMC8962531

Color Diagnostics, LLC DBA Color Health
Classification: Uncertain significance for Cardiomyopathy. Last evaluated: 2024-03-06. Review status: criteria provided, single submitter. Criteria: ACMG Guidelines, 2015. Collection method: clinical testing. Allele origin: germline.
Comment: This missense variant replaces lysine with arginine at codon 361 of the MYBPC3 protein. Computational prediction suggests that this variant may not impact protein structure and function. To our knowledge, functional studies have not been reported for this variant. This variant has not been reported in individuals affected with MYBPC3-related disorders in the literature. This variant has not been identified in the general population by the Genome Aggregation Database (gnomAD). The available evidence is insufficient to determine the role of this variant in disease conclusively. Therefore, this variant is classified as a Variant of Uncertain Significance.

Labcorp Genetics (formerly Invitae), Labcorp
Classification: Uncertain significance for Hypertrophic cardiomyopathy. Last evaluated: 2023-04-16. Review status: criteria provided, single submitter. Criteria: Invitae Variant Classification Sherloc (09022015). Collection method: clinical testing. Allele origin: germline.
Comment: This sequence change replaces lysine, which is basic and polar, with arginine, which is basic and polar, at codon 361 of the MYBPC3 protein (p.Lys361Arg). This variant is not present in population databases (gnomAD no frequency). This variant has not been reported in the literature in individuals affected with MYBPC3-related conditions. An algorithm developed to predict the effect of missense changes on protein structure and function (PolyPhen-2) suggests that this variant is likely to be disruptive. In summary, the available evidence is currently insufficient to determine the role of this variant in disease. Therefore, it has been classified as a Variant of Uncertain Significance.

NM_000256.3(MYBPC3):c.1082A>G (p.Lys361Arg)

Gene: MYBPC3 (myosin binding protein C3; minus strand). Cytogenetic location: 11p11.2.
Variant type: single nucleotide variant.
Coding change: c.1082A>G on transcript NM_000256.3 (MANE Select); coding-DNA position 1082, A replaced by G.
Protein change: p.Lys361Arg; replaces lysine 361 with arginine.
Molecular consequence: missense variant.
Genome position (GRCh38, 1-based): chr11:47,346,215, T>C on the plus strand (A>G on the coding strand, the complement: MYBPC3 is on the minus strand). VCF-style: chr11-47346215-T-C. GRCh37 (hg19) VCF-style: chr11-47367766-T-C.
Other names: short protein forms K361R.
Identifiers: ClinVar variation 2986972 (VCV002986972.8), dbSNP rs2095893871, ClinGen allele CA380330944.
Genomic context (GRCh38, chr11:47,346,215, plus strand): 5'-TAGGGAAGGGCTAGCCTGTGCCCTCTCCTCTCCCCTCTGAGGAAGGGCTAACCTGTGCTC[T>C]TCTTCTCATCGCGCCTCATGCCCTTGAGCCTCTTTAGCATGCCGCGCAGGTCAGTGACGC-3'
Protein context (NP_000247.2, residues 351-371): RLKGMRRDEK[Lys361Arg]STAFQKKLEP